The following is an entry in ClinVar:

NM_015602.4(TOR1AIP1):c.1478A>G (p.Tyr493Cys)

Gene: TOR1AIP1 (torsin 1A interacting protein 1; plus strand). Cytogenetic location: 1q25.2.
Variant type: single nucleotide variant.
Coding change: c.1478A>G on transcript NM_015602.4 (MANE Select); coding-DNA position 1478, A replaced by G.
Protein change: p.Tyr493Cys; replaces tyrosine 493 with cysteine.
Molecular consequence: missense variant.
Genome position (GRCh38, 1-based): chr1:179,917,965, A>G. VCF-style: chr1-179917965-A-G. GRCh37 (hg19) VCF-style: chr1-179887100-A-G.
Other names: c.1481A>G, p.Tyr494Cys (NM_001267578.2); short protein forms Y494C, Y493C.
Identifiers: ClinVar variation 641540 (VCV000641540.9), dbSNP rs1571741085, ClinGen allele CA343575463.
Genomic context (GRCh38, chr1:179,917,965, plus strand): 5'-AGAATGCAGCTGTGGTACACCGCTTTGAGTCATTTCCCGCAGGCTCTACTTTGATCTTCT[A>G]CAAATATTGTGACCATGAAAACGCGGCCTTCAAAGATGTAGCCTTAGTCCTGACTGTCTT-3'
Protein context (NP_056417.2, residues 483-503): SFPAGSTLIF[Tyr493Cys]KYCDHENAAF

ClinVar aggregate classification (germline): Uncertain significance (1 of 4 stars; one submission).

Conditions:
Autosomal recessive limb-girdle muscular dystrophy type 2Y (MRRSDC). Also called: Muscular dystrophy, limb-girdle, type 2y; Muscular dystrophy, autosomal recessive, with rigid spine and distal joint contractures. Identifiers: Orphanet 424261, MedGen C4511482, MONDO:0014900, OMIM 617072.

Submission:

Labcorp Genetics (formerly Invitae), Labcorp
Classification: Uncertain significance for Autosomal recessive limb-girdle muscular dystrophy type 2Y. Last evaluated: 2022-07-05. Review status: criteria provided, single submitter. Criteria: Invitae Variant Classification Sherloc (09022015). Collection method: clinical testing. Allele origin: germline.
Comment: This variant is not present in population databases (gnomAD no frequency). This sequence change replaces tyrosine, which is neutral and polar, with cysteine, which is neutral and slightly polar, at codon 494 of the TOR1AIP1 protein (p.Tyr494Cys). This variant has not been reported in the literature in individuals affected with TOR1AIP1-related conditions. In summary, the available evidence is currently insufficient to determine the role of this variant in disease. Therefore, it has been classified as a Variant of Uncertain Significance. Algorithms developed to predict the effect of missense changes on protein structure and function (SIFT, PolyPhen-2, Align-GVGD) all suggest that this variant is likely to be disruptive. ClinVar contains an entry for this variant (Variation ID: 641540).